The following is an entry in ClinVar:

ClinVar aggregate classification (germline): Uncertain significance (1 of 4 stars; one submission).

Submission:

Labcorp Genetics (formerly Invitae), Labcorp
Classification: Uncertain significance. Last evaluated: 2025-06-03. Review status: criteria provided, single submitter. Criteria: Invitae Variant Classification Sherloc (09022015). Collection method: clinical testing. Allele origin: germline.
Comment: This sequence change replaces isoleucine, which is neutral and non-polar, with methionine, which is neutral and non-polar, at codon 128 of the POLE protein (p.Ile128Met). This variant is not present in population databases (gnomAD no frequency). This variant has not been reported in the literature in individuals affected with POLE-related conditions. Invitae Evidence Modeling of protein sequence and biophysical properties (such as structural, functional, and spatial information, amino acid conservation, physicochemical variation, residue mobility, and thermodynamic stability) indicates that this missense variant is not expected to disrupt POLE protein function with a negative predictive value of 80%. In summary, the available evidence is currently insufficient to determine the role of this variant in disease. Therefore, it has been classified as a Variant of Uncertain Significance.

NM_006231.4(POLE):c.384T>G (p.Ile128Met)

Gene: POLE (DNA polymerase epsilon, catalytic subunit; minus strand). Cytogenetic location: 12q24.33.
Variant type: single nucleotide variant.
Coding change: c.384T>G on transcript NM_006231.4 (MANE Select); coding-DNA position 384, T replaced by G.
Protein change: p.Ile128Met; replaces isoleucine 128 with methionine.
Molecular consequence: missense variant.
Genome position (GRCh38, 1-based): chr12:132,679,993, A>C on the plus strand (T>G on the coding strand, the complement: POLE is on the minus strand). VCF-style: chr12-132679993-A-C. GRCh37 (hg19) VCF-style: chr12-133256579-A-C.
Other names: short protein forms I128M.
Identifiers: ClinVar variation 4745554 (VCV004745554.1).